The following is an entry in ClinVar:

NM_001034853.2(RPGR):c.607G>C (p.Ala203Pro)

Gene: RPGR (retinitis pigmentosa GTPase regulator; minus strand). Cytogenetic location: Xp11.4.
Variant type: single nucleotide variant.
Coding change: c.607G>C on transcript NM_001034853.2 (MANE Select); coding-DNA position 607, G replaced by C.
Protein change: p.Ala203Pro; replaces alanine 203 with proline.
Molecular consequence: missense variant. On other transcripts: non-coding transcript variant (5).
Genome position (GRCh38, 1-based): chrX:38,317,328, C>G on the plus strand (G>C on the coding strand, the complement: RPGR is on the minus strand). VCF-style: chrX-38317328-C-G. GRCh37 (hg19) VCF-style: chrX-38176581-C-G.
Other names: c.607G>C, p.Ala203Pro (NM_000328.3, NM_001367245.1, NM_001367246.1 and 3 more transcripts); c.637G>C, p.Ala213Pro (NM_001367248.1); c.604G>C, p.Ala202Pro (NM_001367249.1); short protein forms A213P, A203P, A202P.
Identifiers: ClinVar variation 1751442 (VCV001751442.2), dbSNP rs2519888607, ClinGen allele CA412744424.

ClinVar aggregate classification (germline): Uncertain significance (1 of 4 stars; one submission).

Conditions:
Primary ciliary dyskinesia. Also called: Ciliary dyskinesia. Identifiers: Orphanet 244, MedGen C0008780, MONDO:0016575, HP:0012265.

Submission:

Ambry Genetics
Classification: Uncertain significance for Primary ciliary dyskinesia. Last evaluated: 2017-05-31. Review status: criteria provided, single submitter. Criteria: Ambry Variant Classification Scheme 2023. Collection method: clinical testing. Allele origin: germline.
Comment: The p.A203P variant (also known as c.607G>C), located in coding exon 6 of the RPGR gene, results from a G to C substitution at nucleotide position 607. The alanine at codon 203 is replaced by proline, an amino acid with highly similar properties. This amino acid position is highly conserved in available vertebrate species. In addition, this alteration is predicted to be deleterious by in silico analysis. Since supporting evidence is limited at this time, the clinical significance of this alteration remains unclear.